The following is an entry in ClinVar:

NM_001370259.2(MEN1):c.171C>A (p.Asn57Lys)

Gene: MEN1 (menin 1; minus strand). Cytogenetic location: 11q13.1.
Variant type: single nucleotide variant.
Coding change: c.171C>A on transcript NM_001370259.2 (MANE Select); coding-DNA position 171, C replaced by A.
Protein change: p.Asn57Lys; replaces asparagine 57 with lysine.
Molecular consequence: missense variant.
Genome position (GRCh38, 1-based): chr11:64,809,939, G>T on the plus strand (C>A on the coding strand, the complement: MEN1 is on the minus strand). VCF-style: chr11-64809939-G-T. GRCh37 (hg19) VCF-style: chr11-64577411-G-T.
Other names: c.171C>A, p.Asn57Lys (NM_130803.3, NM_130804.3, NM_000244.4 and 9 more transcripts); short protein forms N57K.
Identifiers: ClinVar variation 819920 (VCV000819920.15), dbSNP rs1171829753, ClinGen allele CA381187722.

ClinVar aggregate classification (germline): Uncertain significance. Review status: criteria provided, multiple submitters, no conflicts (2 of 4 stars). 2 submissions from 2 submitters: Uncertain significance (2). Last evaluated 2025-10-09.

Conditions:
Multiple endocrine neoplasia, type 1 (MEN1). Also called: MEN I; WERMER SYNDROME; Endocrine adenomatosis multiple; MEN 1; MEA I. Identifiers: Orphanet 652, MedGen C0025267, MeSH D018761, MONDO:0007540, OMIM 131100.
Hereditary cancer-predisposing syndrome. Also called: Hereditary Cancer Syndrome; Neoplastic Syndromes, Hereditary; Hereditary neoplastic syndrome; Tumor predisposition. Identifiers: Orphanet 140162, MedGen C0027672, MeSH D009386, MONDO:0015356.

gnomAD v4.1: 18 of 1,585,172 alleles (0.0011%); highest among the groups gnomAD compares: Non-Finnish European, 0.0014%; no homozygotes.

Submissions (2):

Labcorp Genetics (formerly Invitae), Labcorp
Classification: Uncertain significance for Multiple endocrine neoplasia, type 1. Last evaluated: 2025-10-09. Review status: criteria provided, single submitter. Criteria: Invitae Variant Classification Sherloc (09022015). Collection method: clinical testing. Allele origin: germline.
Comment: This sequence change replaces asparagine, which is neutral and polar, with lysine, which is basic and polar, at codon 57 of the MEN1 protein (p.Asn57Lys). This variant is not present in population databases (gnomAD no frequency). This variant has not been reported in the literature in individuals affected with MEN1-related conditions. ClinVar contains an entry for this variant (Variation ID: 819920). Invitae Evidence Modeling of protein sequence and biophysical properties (such as structural, functional, and spatial information, amino acid conservation, physicochemical variation, residue mobility, and thermodynamic stability) indicates that this missense variant is expected to disrupt MEN1 protein function with a positive predictive value of 95%. In summary, the available evidence is currently insufficient to determine the role of this variant in disease. Therefore, it has been classified as a Variant of Uncertain Significance.

Ambry Genetics
Classification: Uncertain significance for Hereditary cancer-predisposing syndrome. Last evaluated: 2024-07-17. Review status: criteria provided, single submitter. Criteria: Ambry Variant Classification Scheme 2023. Collection method: clinical testing. Allele origin: germline.
Comment: The p.N57K variant (also known as c.171C>A), located in coding exon 1 of the MEN1 gene, results from a C to A substitution at nucleotide position 171. The asparagine at codon 57 is replaced by lysine, an amino acid with similar properties. In a study of individuals with cutaneous melanoma and a history of two or more additional non-cutaneous independent cancer types undergoing whole exome sequencing or whole genome sequencing, this alteration was detected in none of the cases, but in 1/1358 controls (Pritchard AL et al. PLoS ONE, 2018 Apr;13:e0194098). This amino acid position is highly conserved in available vertebrate species. In addition, the in silico prediction for this alteration is inconclusive. Since supporting evidence is limited at this time, the clinical significance of this alteration remains unclear.

Literature cited by the submitters: PubMed 29641532 (cited by Ambry Genetics).